The following is an entry in ClinVar:

ClinVar aggregate classification (germline): Likely pathogenic. Review status: criteria provided, single submitter (1 of 4 stars). 3 submissions from 3 submitters: Likely pathogenic (1). 2 of the submissions do not count toward it. Last evaluated 2021-12-21.

Conditions:
Ververi-Brady syndrome. Identifiers: MedGen C4693824, MONDO:0979877, MONDO:0060707.

Submissions (3):

Institute of Human Genetics, University of Leipzig Medical Center
Classification: Likely pathogenic for Ververi-Brady syndrome 1. Last evaluated: 2021-12-21. Review status: criteria provided, single submitter. Criteria: ACMG Guidelines, 2015. Collection method: research. Allele origin: de novo. Affected: yes.

OMIM
Classification: Pathogenic for VERVERI-BRADY SYNDROME 1. Last evaluated: 2025-08-29. Review status: no assertion criteria provided. Collection method: literature only. Allele origin: germline. Not counted in ClinVar's aggregate classification.

Institute of Human Genetics, University Hospital of Duesseldorf
Classification: Likely pathogenic for Ververi-Brady syndrome 1. Last evaluated: 2020-06-03. Review status: no assertion criteria provided. Collection method: clinical testing. Allele origin: de novo. Inheritance: Autosomal dominant inheritance. Affected: yes. Observed: 1 heterozygote. Not counted in ClinVar's aggregate classification.
Comment: The QRICH1 NM_017730.3:c.2207G>A; p.(Ser736Asn) variant was identified as a de novo mutation in a child displaying the clinical features of Ververi Brady syndrome (PMID: 28692176).

Literature cited by the submitters: PubMed 34859529 (cited by Institute of Human Genetics, University of Leipzig Medical Center); PubMed 33009816 (cited by OMIM).

NM_198880.3(QRICH1):c.2207G>A (p.Ser736Asn)

Gene: QRICH1 (glutamine rich 1; minus strand). Cytogenetic location: 3p21.31.
Variant type: single nucleotide variant.
Coding change: c.2207G>A on transcript NM_198880.3 (MANE Select); coding-DNA position 2207, G replaced by A.
Protein change: p.Ser736Asn; replaces serine 736 with asparagine.
Molecular consequence: missense variant.
Genome position (GRCh38, 1-based): chr3:49,030,576, C>T on the plus strand (G>A on the coding strand, the complement: QRICH1 is on the minus strand). VCF-style: chr3-49030576-C-T. GRCh37 (hg19) VCF-style: chr3-49068009-C-T.
Other names: c.2207G>A, p.Ser736Asn (NM_001320580.2, NM_001320581.2, NM_001320582.2 and 4 more transcripts); short protein forms S736N.
Identifiers: ClinVar variation 929834 (VCV000929834.7), dbSNP rs2093229974, ClinGen allele CA352751014.
Genomic context (GRCh38, chr3:49,030,576, plus strand): 5'-CGCGTCAGCATTTGTCCCATCTGCTCTCTGCTGATAGGCTGGACTGAGTACCAGATTGGG[C>T]TGTTGGGGGCCACCACTGGCTCAGGTGTCAGGTAAAAGGTGTCATTCCGGCCTTTCACAC-3'
Protein context (NP_942581.1, residues 726-746): LTPEPVVAPN[Ser736Asn]PIWYSVQPIS